The following is an entry in ClinVar:

NM_000231.3(SGCG):c.326A>G (p.Gln109Arg)

Gene: SGCG (sarcoglycan gamma; plus strand). Cytogenetic location: 13q12.12.
Variant type: single nucleotide variant.
Coding change: c.326A>G on transcript NM_000231.3 (MANE Select); coding-DNA position 326, A replaced by G.
Protein change: p.Gln109Arg; replaces glutamine 109 with arginine.
Molecular consequence: missense variant.
Genome position (GRCh38, 1-based): chr13:23,250,658, A>G. VCF-style: chr13-23250658-A-G. GRCh37 (hg19) VCF-style: chr13-23824797-A-G.
Other names: c.380A>G, p.Gln127Arg (NM_001378244.1); c.326A>G, p.Gln109Arg (NM_001378245.1, NM_001378246.1); short protein forms Q109R, Q127R.
Identifiers: ClinVar variation 286200 (VCV000286200.12), dbSNP rs201514102, ClinGen allele CA6909644.

ClinVar aggregate classification (germline): Uncertain significance. Review status: criteria provided, multiple submitters, no conflicts (2 of 4 stars). 2 submissions from 2 submitters: Uncertain significance (2). Last evaluated 2022-07-20.

Conditions:
Autosomal recessive limb-girdle muscular dystrophy type 2C (LGMDR5). Also called: MUSCULAR DYSTROPHY, DUCHENNE-LIKE; MUSCULAR DYSTROPHY, LIMB-GIRDLE, AUTOSOMAL RECESSIVE 5. Identifiers: Orphanet 353, MedGen C0410173, MONDO:0009677, OMIM 253700. Disease mechanism: Affects gamma-sarcoglycan and also disrupts the integrity of the entire sarcoglycan complex..

Allele frequency attached by ClinVar (database versions not stated): gnomAD exomes below 0.00001 and 0.00001; ExAC 0.00001; gnomAD 0.00001; TOPMed 0.00001; 1000 Genomes Project 30x 0.00016; 1000 Genomes Project 0.00020.
gnomAD v4.1: 2 of 1,612,678 alleles (0.00012%); highest among the groups gnomAD compares: East Asian, 0.0045%; no homozygotes.

Submissions (2):

Labcorp Genetics (formerly Invitae), Labcorp
Classification: Uncertain significance for Autosomal recessive limb-girdle muscular dystrophy type 2C. Last evaluated: 2022-07-20. Review status: criteria provided, single submitter. Criteria: Invitae Variant Classification Sherloc (09022015). Collection method: clinical testing. Allele origin: germline.
Comment: ClinVar contains an entry for this variant (Variation ID: 286200). In summary, the available evidence is currently insufficient to determine the role of this variant in disease. Therefore, it has been classified as a Variant of Uncertain Significance. Algorithms developed to predict the effect of missense changes on protein structure and function (SIFT, PolyPhen-2, Align-GVGD) all suggest that this variant is likely to be tolerated. This variant has not been reported in the literature in individuals affected with SGCG-related conditions. This variant is present in population databases (rs201514102, gnomAD 0.006%). This sequence change replaces glutamine, which is neutral and polar, with arginine, which is basic and polar, at codon 109 of the SGCG protein (p.Gln109Arg).

Eurofins Ntd Llc (ga)
Classification: Uncertain significance. Last evaluated: 2016-02-23. Review status: criteria provided, single submitter. Criteria: EGL Classification Definitions 2015. Collection method: clinical testing. Allele origin: germline. Observed: 1 variant allele, 1 heterozygote.